The following is an entry in ClinVar:

NM_002626.6(PFKL):c.366C>T (p.Leu122=)

Gene: PFKL (phosphofructokinase, liver type; plus strand). Cytogenetic location: 21q22.3.
Variant type: single nucleotide variant.
Coding change: c.366C>T on transcript NM_002626.6 (MANE Select); coding-DNA position 366, C replaced by T.
Protein change: p.Leu122=; no amino-acid change (leucine 122 retained).
Molecular consequence: synonymous variant.
Genome position (GRCh38, 1-based): chr21:44,312,233, C>T. VCF-style: chr21-44312233-C-T. GRCh37 (hg19) VCF-style: chr21-45732116-C-T.
Other names: c.516C>T, p.Leu172= (NM_001002021.3); c.516C>T (NM_001002021.2).
Identifiers: ClinVar variation 440032 (VCV000440032.11), dbSNP rs1057034, ClinGen allele CA10052492.

ClinVar aggregate classification (germline): Benign. Review status: criteria provided, multiple submitters, no conflicts (2 of 4 stars). 3 submissions from 3 submitters: Benign (3). Last evaluated 2026-05-21.

Conditions:
PFKL-related disorder. Also called: PFKL-related condition.

Allele frequency attached by ClinVar (database versions not stated): 1000 Genomes Project 30x 0.45659; 1000 Genomes Project 0.45847; TOPMed 0.47862; ESP Exome Variant Server 0.48141; gnomAD 0.48477 and 0.48825; gnomAD exomes 0.52451 and 0.56730; ExAC 0.55219.
gnomAD v4.1: 892,271 of 1,596,274 alleles (56%); highest among the groups gnomAD compares: Non-Finnish European, 59%; 254,071 homozygotes.

Submissions (3):

PreventionGenetics, part of Exact Sciences
Classification: Benign for PFKL-related condition. Last evaluated: 2026-05-21. Review status: criteria provided, single submitter. Criteria: ACMG Guidelines, 2015. Collection method: clinical testing. Allele origin: germline.
Comment: This variant is classified as benign based on ACMG/AMP sequence variant interpretation guidelines (Richards et al. 2015 PMID: 25741868, with internal and published modifications).

ARUP Laboratories, Molecular Genetics and Genomics, ARUP Laboratories
Classification: Benign. Last evaluated: 2019-01-09. Review status: criteria provided, single submitter. Criteria: ARUP Molecular Germline Variant Investigation Process. Collection method: clinical testing. Allele origin: germline.

Breakthrough Genomics
Classification: Benign. Review status: criteria provided, single submitter. Criteria: ACMG Guidelines, 2015. Collection method: not provided. Allele origin: germline. Inheritance: Unknown mechanism. Affected: yes.